The following is an entry in ClinVar:

NM_003482.4(KMT2D):c.11083C>T (p.Pro3695Ser)

Gene: KMT2D (lysine methyltransferase 2D; minus strand). Cytogenetic location: 12q13.12.
Variant type: single nucleotide variant.
Coding change: c.11083C>T on transcript NM_003482.4 (MANE Select); coding-DNA position 11083, C replaced by T.
Protein change: p.Pro3695Ser; replaces proline 3695 with serine.
Molecular consequence: missense variant.
Genome position (GRCh38, 1-based): chr12:49,033,622, G>A on the plus strand (C>T on the coding strand, the complement: KMT2D is on the minus strand). VCF-style: chr12-49033622-G-A. GRCh37 (hg19) VCF-style: chr12-49427405-G-A.
Other names: short protein forms P3695S.
Identifiers: ClinVar variation 3040775 (VCV003040775.4), dbSNP rs557907074, ClinGen allele CA6546371.

ClinVar aggregate classification (germline): Likely benign. Review status: criteria provided, single submitter (1 of 4 stars). 2 submissions from 2 submitters: Likely benign (1). 1 of the submissions does not count toward it. Last evaluated 2025-10-16.

Conditions:
KMT2D-related disorder. Also called: KMT2D-Related Disorders.
Kabuki syndrome. Also called: NIIKAWA-KUROKI SYNDROME; Kabuki make-up syndrome. Identifiers: Orphanet 2322, MedGen C0796004, MONDO:0016512.

Allele frequency attached by ClinVar (database versions not stated): gnomAD exomes 0.00003; ExAC 0.00012; 1000 Genomes Project 30x 0.00016; 1000 Genomes Project 0.00020.
gnomAD v4.1: 43 of 1,613,680 alleles (0.0027%); highest among the groups gnomAD compares: South Asian, 0.043%; no homozygotes.

Submissions (2):

Labcorp Genetics (formerly Invitae), Labcorp
Classification: Likely benign for Kabuki syndrome. Last evaluated: 2025-10-16. Review status: criteria provided, single submitter. Criteria: Invitae Variant Classification Sherloc (09022015). Collection method: clinical testing. Allele origin: germline.

PreventionGenetics, part of Exact Sciences
Classification: Likely benign for KMT2D-related condition. Last evaluated: 2022-10-19. Review status: no assertion criteria provided. Collection method: clinical testing. Allele origin: germline. Not counted in ClinVar's aggregate classification.
Comment: This variant is classified as likely benign based on ACMG/AMP sequence variant interpretation guidelines (Richards et al. 2015 PMID: 25741868, with internal and published modifications).